The following is an entry in ClinVar:

Single allele

Gene: LOC130063346 (ATAC-STARR-seq lymphoblastoid silent region 9970; plus strand). Cytogenetic location: 19p13.2.
Variant type: Deletion.
Identifiers: ClinVar variation 157429 (VCV000157429.2).

ClinVar aggregate classification (germline): not provided (0 of 4 stars; one submission).

Conditions:
Gestational diabetes mellitus uncontrolled. Identifiers: MedGen C3532257.

Submission:

Institute of Molecular and Cell Biology, University of Tartu
No classification provided. Condition: Gestational diabetes mellitus uncontrolled. Review status: no classification provided. Collection method: case-control. Allele origin: unknown. Affected: yes. Study: Kasak2014.
Comment: The study aimed to determine the contribution of copy number variants in the genetic etiology of normal and complicated pregnancies. The samples represented (i) maternal blood DNA drawn from healthy pregnant women during 1st or 2nd trimester and (ii) maternal and paternal blood DNA drawn at term pregnancy cases representing normal and complicated gestations (severe preeclampsia, PE; gestational diabetes, GD; small-for-gestational age newborn, SGA; large-for-gestational age newborn, LGA). We performed CNV calling based on genome-wide genotyping dataset (Illumina HumanOmniExpress-24-v1 BeadChip) by applying three algorithms, QuantiSNP, GADA (Genome Alteration Detection Algorithm) and CNstream in parallel. The acquired CNV calls were merged with HD-CNV (Hotspot Detector for Copy Number Variants) program and only the CNVs predicted by at least two programs, were considered in subsequent analysis.

Literature cited by the submitters: PubMed 25666259.